The following is an entry in ClinVar:

ClinVar aggregate classification (germline): Uncertain significance (1 of 4 stars; one submission).

Conditions:
Myopathy, centronuclear, 2 (CNM2). Also called: MYOTUBULAR MYOPATHY, AUTOSOMAL RECESSIVE. Identifiers: Orphanet 169186, MedGen CN031787, MONDO:0009709, OMIM 255200.

Submission:

Labcorp Genetics (formerly Invitae), Labcorp
Classification: Uncertain significance for Myopathy, centronuclear, 2. Last evaluated: 2020-10-15. Review status: criteria provided, single submitter. Criteria: Invitae Variant Classification Sherloc (09022015). Collection method: clinical testing. Allele origin: germline.
Comment: In summary, the available evidence is currently insufficient to determine the role of this variant in disease. Therefore, it has been classified as a Variant of Uncertain Significance. Algorithms developed to predict the effect of missense changes on protein structure and function are either unavailable or do not agree on the potential impact of this missense change (SIFT: "Deleterious"; PolyPhen-2: "Probably Damaging"; Align-GVGD: "Class C0"). This variant has not been reported in the literature in individuals with BIN1-related conditions. This variant is not present in population databases (ExAC no frequency). This sequence change replaces glycine with tryptophan at codon 275 of the BIN1 protein (p.Gly275Trp). The glycine residue is moderately conserved and there is a large physicochemical difference between glycine and tryptophan.

NM_139343.3(BIN1):c.823G>T (p.Gly275Trp)

Gene: BIN1 (bridging integrator 1; minus strand). Cytogenetic location: 2q14.3.
Variant type: single nucleotide variant.
Coding change: c.823G>T on transcript NM_139343.3 (MANE Select); coding-DNA position 823, G replaced by T.
Protein change: p.Gly275Trp; replaces glycine 275 with tryptophan.
Molecular consequence: missense variant.
Genome position (GRCh38, 1-based): chr2:127,062,149, C>A on the plus strand (G>T on the coding strand, the complement: BIN1 is on the minus strand). VCF-style: chr2-127062149-C-A. GRCh37 (hg19) VCF-style: chr2-127819725-C-A.
Other names: c.730G>T, p.Gly244Trp (NM_001320632.2, NM_001320641.2, NM_004305.4 and 6 more transcripts); c.823G>T, p.Gly275Trp (NM_001320633.2, NM_001320640.2, NM_139344.3 and 1 more transcripts); c.658G>T, p.Gly220Trp (NM_001320634.1); c.742G>T, p.Gly248Trp (NM_001320642.1); short protein forms G220W, G244W, G248W, G275W.
Identifiers: ClinVar variation 1000310 (VCV001000310.8), dbSNP rs771506242, ClinGen allele CA348381082.